The following is an entry in ClinVar:

ClinVar aggregate classification (germline): Conflicting classifications of pathogenicity. Review status: criteria provided, conflicting classifications (1 of 4 stars). 2 submissions from 2 submitters: Uncertain significance (1); Likely benign (1). Last evaluated 2025-07-14.

Conditions:
Immunodeficiency 51 (IMD51). Also called: CANDIDIASIS, FAMILIAL, 5. Identifiers: Orphanet 1334, MedGen C4310803, MONDO:0013500, OMIM 613953.

Allele frequency attached by ClinVar (database versions not stated): gnomAD exomes 0.00001 and 0.00003; ExAC 0.00004; gnomAD 0.00008 and 0.00009; TOPMed 0.00008.
gnomAD v4.1: 27 of 1,611,458 alleles (0.0017%); highest among the groups gnomAD compares: African/African-American, 0.029%; no homozygotes.

Submissions (2):

Labcorp Genetics (formerly Invitae), Labcorp
Classification: Uncertain significance for Immunodeficiency 51. Last evaluated: 2025-07-14. Review status: criteria provided, single submitter. Criteria: Invitae Variant Classification Sherloc (09022015). Collection method: clinical testing. Allele origin: germline.
Comment: This sequence change replaces glycine, which is neutral and non-polar, with serine, which is neutral and polar, at codon 511 of the IL17RA protein (p.Gly511Ser). This variant is present in population databases (rs754989357, gnomAD 0.03%). This variant has not been reported in the literature in individuals affected with IL17RA-related conditions. ClinVar contains an entry for this variant (Variation ID: 1008332). Invitae Evidence Modeling of protein sequence and biophysical properties (such as structural, functional, and spatial information, amino acid conservation, physicochemical variation, residue mobility, and thermodynamic stability) indicates that this missense variant is not expected to disrupt IL17RA protein function with a negative predictive value of 80%. In summary, the available evidence is currently insufficient to determine the role of this variant in disease. Therefore, it has been classified as a Variant of Uncertain Significance.

Ambry Genetics
Classification: Likely benign. Last evaluated: 2022-02-10. Review status: criteria provided, single submitter. Criteria: Ambry Variant Classification Scheme 2023. Collection method: clinical testing. Allele origin: germline.

NM_014339.7(IL17RA):c.1531G>A (p.Gly511Ser)

Gene: IL17RA (interleukin 17 receptor A; plus strand). Cytogenetic location: 22q11.1.
Variant type: single nucleotide variant.
Coding change: c.1531G>A on transcript NM_014339.7 (MANE Select); coding-DNA position 1531, G replaced by A.
Protein change: p.Gly511Ser; replaces glycine 511 with serine.
Molecular consequence: missense variant.
Genome position (GRCh38, 1-based): chr22:17,108,750, G>A. VCF-style: chr22-17108750-G-A. GRCh37 (hg19) VCF-style: chr22-17589640-G-A.
Other names: c.1429G>A, p.Gly477Ser (NM_001289905.2); c.1531G>A (NM_014339.5); short protein forms G477S, G511S.
Identifiers: ClinVar variation 1008332 (VCV001008332.7), dbSNP rs754989357, ClinGen allele CA10086778.
Genomic context (GRCh38, chr22:17,108,750, plus strand): 5'-AAGAGGCCAGCCTGCTTCGGCACCTACGTAGTCTGCTACTTCAGCGAGGTCAGCTGTGAC[G>A]GCGACGTCCCCGACCTGTTCGGCGCGGCGCCGCGGTACCCGCTCATGGACAGGTTCGAGG-3'
Protein context (NP_055154.3, residues 501-521): VCYFSEVSCD[Gly511Ser]DVPDLFGAAP